The following is an entry in ClinVar:

ClinVar aggregate classification (germline): Uncertain significance (1 of 4 stars; one submission).

Conditions:
Developmental and epileptic encephalopathy, 36 (DEE36). Also called: ALG13-CDG; Epileptic encephalopathy, early infantile, 36; Congenital disorder of glycosylation, type Is. Identifiers: Orphanet 324422, MedGen C4317295, MONDO:0010472, OMIM 300884.

Submission:

Labcorp Genetics (formerly Invitae), Labcorp
Classification: Uncertain significance for Developmental and epileptic encephalopathy, 36. Last evaluated: 2023-11-06. Review status: criteria provided, single submitter. Criteria: Invitae Variant Classification Sherloc (09022015). Collection method: clinical testing. Allele origin: germline.
Comment: This sequence change replaces cysteine, which is neutral and slightly polar, with serine, which is neutral and polar, at codon 685 of the ALG13 protein (p.Cys685Ser). This variant is not present in population databases (gnomAD no frequency). This variant has not been reported in the literature in individuals affected with ALG13-related conditions. Advanced modeling of protein sequence and biophysical properties (such as structural, functional, and spatial information, amino acid conservation, physicochemical variation, residue mobility, and thermodynamic stability) performed at Invitae indicates that this missense variant is not expected to disrupt ALG13 protein function with a negative predictive value of 80%. In summary, the available evidence is currently insufficient to determine the role of this variant in disease. Therefore, it has been classified as a Variant of Uncertain Significance.

NM_001099922.3(ALG13):c.2053T>A (p.Cys685Ser)

Gene: ALG13 (ALG13 UDP-N-acetylglucosaminyltransferase subunit; plus strand). Cytogenetic location: Xq23.
Variant type: single nucleotide variant.
Coding change: c.2053T>A on transcript NM_001099922.3 (MANE Select); coding-DNA position 2053, T replaced by A.
Protein change: p.Cys685Ser; replaces cysteine 685 with serine.
Molecular consequence: missense variant. On other transcripts: non-coding transcript variant (1).
Genome position (GRCh38, 1-based): chrX:111,727,408, T>A. VCF-style: chrX-111727408-T-A. GRCh37 (hg19) VCF-style: chrX-110970636-T-A.
Other names: c.1741T>A, p.Cys581Ser (NM_001257230.2, NM_001257234.2, NM_001257237.2); c.1819T>A, p.Cys607Ser (NM_001257231.2); c.2053T>A, p.Cys685Ser (NM_001324292.2); c.1567T>A, p.Cys523Ser (NM_001324293.1); short protein forms C523S, C685S, C581S, C607S.
Identifiers: ClinVar variation 2894899 (VCV002894899.3), dbSNP rs2525950419, ClinGen allele CA414253145.